The following is an entry in ClinVar:

ClinVar aggregate classification (germline): Benign. Review status: criteria provided, multiple submitters, no conflicts (2 of 4 stars). 6 submissions from 6 submitters: Benign (6). Last evaluated 2026-05-01.

Conditions:
Intellectual disability, autosomal recessive 42 (NEDDSBA). Also called: GLYCOSYLPHOSPHATIDYLINOSITOL BIOSYNTHESIS DEFECT 9; Neurodevelopmental disorder with dysmorphic features, spasticity, and brain abnormalities. Identifiers: Orphanet 88616, MedGen C4014343, MONDO:0014348, OMIM 615802.
Hereditary spastic paraplegia. Also called: Familial spastic paraparesis. Identifiers: Orphanet 685, MedGen C0037773, MONDO:0019064. Disease mechanism: loss of function.

Allele frequency attached by ClinVar (database versions not stated): 1000 Genomes Project 30x 0.00297; 1000 Genomes Project 0.00339; TOPMed 0.00661; ESP Exome Variant Server 0.00746; ExAC 0.01219; gnomAD 0.01287 and 0.01375; gnomAD exomes 0.01355 and 0.01359.
gnomAD v4.1: 21,529 of 1,612,652 alleles (1.3%); highest among the groups gnomAD compares: Non-Finnish European, 1.3%; 320 homozygotes.

Submissions (6):

CeGaT Center for Human Genetics Tuebingen
Classification: Benign. Last evaluated: 2026-05-01. Review status: criteria provided, single submitter. Criteria: CeGaT Center For Human Genetics Tuebingen Variant Classification Criteria Version 2. Collection method: clinical testing. Allele origin: germline. Affected: yes. Observed: 22 variant alleles.
Comment: PGAP1: BP4, BP7, BS1, BS2

Labcorp Genetics (formerly Invitae), Labcorp
Classification: Benign for Intellectual disability, autosomal recessive 42. Last evaluated: 2026-02-01. Review status: criteria provided, single submitter. Criteria: Invitae Variant Classification Sherloc (09022015). Collection method: clinical testing. Allele origin: germline.

Mayo Clinic Laboratories, Mayo Clinic
Classification: Benign. Last evaluated: 2022-03-23. Review status: criteria provided, single submitter. Criteria: ACMG Guidelines, 2015. Collection method: clinical testing. Allele origin: germline. Observed: 11 variant alleles.

Genome Diagnostics Laboratory, The Hospital for Sick Children
Classification: Benign for Hereditary spastic paraplegia. Last evaluated: 2021-08-30. Review status: criteria provided, single submitter. Criteria: ACMG Guidelines, 2015. Collection method: clinical testing. Allele origin: germline. Affected: yes.

GeneDx
Classification: Benign. Last evaluated: 2020-02-13. Review status: criteria provided, single submitter. Criteria: GeneDx Variant Classification Process June 2021. Collection method: clinical testing. Allele origin: germline. Affected: yes.

Breakthrough Genomics
Classification: Benign. Review status: criteria provided, single submitter. Criteria: ACMG Guidelines, 2015. Collection method: not provided. Allele origin: germline. Inheritance: Autosomal recessive inheritance. Affected: yes.

NM_024989.4(PGAP1):c.2007C>T (p.Ala669=)

Gene: PGAP1 (post-GPI attachment to proteins inositol deacylase 1; minus strand). Cytogenetic location: 2q33.1.
Variant type: single nucleotide variant.
Coding change: c.2007C>T on transcript NM_024989.4 (MANE Select); coding-DNA position 2007, C replaced by T.
Protein change: p.Ala669=; no amino-acid change (alanine 669 retained).
Molecular consequence: synonymous variant.
Genome position (GRCh38, 1-based): chr2:196,847,146, G>A on the plus strand (C>T on the coding strand, the complement: PGAP1 is on the minus strand). VCF-style: chr2-196847146-G-A. GRCh37 (hg19) VCF-style: chr2-197711870-G-A.
Other names: p.Ala669=; c.1485C>T, p.Ala495= (NM_001321099.2); c.840C>T, p.Ala280= (NM_001321100.2).
Identifiers: ClinVar variation 474991 (VCV000474991.46), dbSNP rs149815494, ClinGen allele CA2040731.